The following is an entry in ClinVar:

NM_000271.5(NPC1):c.2336dup (p.Val780fs)

Gene: NPC1 (NPC intracellular cholesterol transporter 1; minus strand). Cytogenetic location: 18q11.2.
Variant type: Duplication.
Coding change: c.2336dup on transcript NM_000271.5 (MANE Select); coding-DNA position 2336, one base duplicated (T; older notation c.2336dupT).
Protein change: p.Val780fs; shifts the reading frame from valine 780.
Molecular consequence: frameshift variant.
Genome position (GRCh38, 1-based): chr18:23,541,343, A duplicated on the plus strand (T on the coding strand, the reverse complement: NPC1 is on the minus strand); the first of 3 consecutive A bases (chr18:23,541,343-23,541,345); duplicating any one gives the same sequence. VCF-style (leftmost placement, unchanged base first): chr18-23541342-G-GA. GRCh37 (hg19) VCF-style: chr18-21121306-G-GA.
Other names: short protein forms V780fs.
Identifiers: ClinVar variation 3774957 (VCV003774957.1).

ClinVar aggregate classification (germline): Likely pathogenic (1 of 4 stars; one submission).

Submission:

GeneDx
Classification: Likely pathogenic. Last evaluated: 2024-09-25. Review status: criteria provided, single submitter. Criteria: GeneDx Variant Classification Process June 2021. Collection method: clinical testing. Allele origin: germline. Affected: yes.
Comment: Frameshift variant predicted to result in protein truncation or nonsense mediated decay in a gene for which loss of function is a known mechanism of disease; Not observed at significant frequency in large population cohorts (gnomAD); Identified in a patient with clinical features of NPC and variant cholesterol esterification; a second variant in NPC1 was not identified (PMID: 11349231); This variant is associated with the following publications: (PMID: 24386122, 11349231)